The following is an entry in ClinVar:

NM_138420.4(AHNAK2):c.13940T>G (p.Met4647Arg)

Gene: AHNAK2 (AHNAK nucleoprotein 2; minus strand). Cytogenetic location: 14q32.33.
Variant type: single nucleotide variant.
Coding change: c.13940T>G on transcript NM_138420.4 (MANE Select); coding-DNA position 13940, T replaced by G.
Protein change: p.Met4647Arg; replaces methionine 4647 with arginine.
Molecular consequence: missense variant.
Genome position (GRCh38, 1-based): chr14:104,941,511, A>C on the plus strand (T>G on the coding strand, the complement: AHNAK2 is on the minus strand). VCF-style: chr14-104941511-A-C. GRCh37 (hg19) VCF-style: chr14-105407848-A-C.
Other names: c.13640T>G, p.Met4547Arg (NM_001350929.2); short protein forms M4547R, M4647R.
Identifiers: ClinVar variation 2276041 (VCV002276041.27), dbSNP rs202055538, ClinGen allele CA7377737.
Genomic context (GRCh38, chr14:104,941,511, plus strand): 5'-ATGGGAAATGTGGAAGTCTTCTCATGGAATGTAACATTTCCTTCGATTTCAGAGGAAGAC[A>C]TGGAAACTTTCTTTGACGACCATTCAAAACCAGACGTGCTCAGTTTTGGTCCTTGAAACT-3'
Protein context (NP_612429.2, residues 4637-4657): GFEWSSKKVS[Met4647Arg]SSSEIEGNVT

ClinVar aggregate classification (germline): Conflicting classifications of pathogenicity. Review status: criteria provided, conflicting classifications (1 of 4 stars). 2 submissions from 2 submitters: Uncertain significance (1); Likely benign (1). Last evaluated 2025-03-06.

Allele frequency attached by ClinVar (database versions not stated): ESP Exome Variant Server 0.00008; gnomAD 0.00013; ExAC 0.00014; 1000 Genomes Project 30x 0.00016; 1000 Genomes Project 0.00020.
gnomAD v4.1: 184 of 1,613,060 alleles (0.011%); highest among the groups gnomAD compares: Middle Eastern, 0.36%; 1 homozygote.

Submissions (2):

Ambry Genetics
Classification: Uncertain significance. Last evaluated: 2025-03-06. Review status: criteria provided, single submitter. Criteria: Ambry Variant Classification Scheme 2023. Collection method: clinical testing. Allele origin: germline.

CeGaT Center for Human Genetics Tuebingen
Classification: Likely benign. Last evaluated: 2023-12-01. Review status: criteria provided, single submitter. Criteria: CeGaT Center For Human Genetics Tuebingen Variant Classification Criteria Version 2. Collection method: clinical testing. Allele origin: germline. Affected: yes. Observed: 2 variant alleles.
Comment: AHNAK2: BP4, BS1